The following is an entry in ClinVar:

NM_014804.3(KIAA0753):c.210C>G (p.Tyr70Ter)

Gene: KIAA0753 (KIAA0753; minus strand). Cytogenetic location: 17p13.1.
Variant type: single nucleotide variant.
Coding change: c.210C>G on transcript NM_014804.3 (MANE Select); coding-DNA position 210, C replaced by G.
Protein change: p.Tyr70Ter; replaces tyrosine 70 with a stop codon.
Molecular consequence: nonsense. On other transcripts: 5 prime UTR variant (1), non-coding transcript variant (3).
Genome position (GRCh38, 1-based): chr17:6,628,625, G>C on the plus strand (C>G on the coding strand, the complement: KIAA0753 is on the minus strand). VCF-style: chr17-6628625-G-C. GRCh37 (hg19) VCF-style: chr17-6531945-G-C.
Other names: c.-1025C>G (NM_001351225.2); short protein forms Y70*.
Identifiers: ClinVar variation 3689347 (VCV003689347.2).
Genomic context (GRCh38, chr17:6,628,625, plus strand): 5'-GGAAAATGAAACAGAACTGCCCAGGTCAGGACCAACTCTACAATCTGCATCTTTACAATG[G>C]TATGATTCATTGTATGAGTGCTTCAGTTTTTCAATTCTAATGGCATGTGGGCAAGAATAT-3'

ClinVar aggregate classification (germline): Pathogenic (1 of 4 stars; one submission).

gnomAD v4.1: 3 of 1,614,014 alleles (0.00019%); highest among the groups gnomAD compares: Non-Finnish European, 0.00025%; no homozygotes.

Submission:

Labcorp Genetics (formerly Invitae), Labcorp
Classification: Pathogenic. Last evaluated: 2024-10-08. Review status: criteria provided, single submitter. Criteria: Invitae Variant Classification Sherloc (09022015). Collection method: clinical testing. Allele origin: germline.
Comment: This sequence change creates a premature translational stop signal (p.Tyr70*) in the KIAA0753 gene. It is expected to result in an absent or disrupted protein product. Loss-of-function variants in KIAA0753 are known to be pathogenic (PMID: 29138412). This variant is not present in population databases (gnomAD no frequency). This variant has not been reported in the literature in individuals affected with KIAA0753-related conditions. Algorithms developed to predict the effect of sequence changes on RNA splicing suggest that this variant may disrupt the consensus splice site. For these reasons, this variant has been classified as Pathogenic.

Literature cited by the submitters: PubMed 29138412.